The following is an entry in ClinVar:

ClinVar aggregate classification (germline): Likely pathogenic (1 of 4 stars; one submission).

Conditions:
Fabry disease. Also called: ALPHA-GALACTOSIDASE A DEFICIENCY; ANDERSON-FABRY DISEASE; CERAMIDE TRIHEXOSIDASE DEFICIENCY; GLA DEFICIENCY; HEREDITARY DYSTOPIC LIPIDOSIS; Angiokeratoma corporis diffusum. Identifiers: Orphanet 324, MedGen C0002986, MONDO:0010526, OMIM 301500, HP:0001071. Disease mechanism: Fabry disease is due to inactivating mutations in the X-linked GLA gene resulting in deficiency of the enzyme Alpha Galactosidase-A., loss of function.

Submission:

Genomenon, Inc
Classification: Likely pathogenic for Fabry disease. Last evaluated: 2026-09-08. Review status: criteria provided, single submitter. Criteria: Genomenon Sequence Variant Interpretation Standards - Updated. Collection method: curation. Allele origin: germline. Affected: yes.
Comment: GLA p.Gly274Asp (c.821G>A) is a missense variant that changes the amino acid at codon 274 from Glycine to Aspartic acid. This variant has been observed in at least one proband with clinical features consistent with Fabry disease (PMID:38002959;38304433). The variant was found to segregate with disease in at least one affected family (PMID:38002959). It is absent or not present at a significant frequency in gnomAD. In silico models predict that this variant is possibly or probably damaging. In conclusion, we classify GLA p.Gly274Asp (c.821G>A) as a likely pathogenic variant.

Literature cited by the submitters: PubMed 38002959; PubMed 38304433.

NM_000169.3(GLA):c.821G>A (p.Gly274Asp)

Genes: GLA (galactosidase alpha; minus strand), RPL36A-HNRNPH2 (RPL36A-HNRNPH2 readthrough; plus strand). Cytogenetic location: Xq22.1.
Variant type: single nucleotide variant.
Coding change: c.821G>A on transcript NM_000169.3 (MANE Select); coding-DNA position 821, G replaced by A.
Protein change: p.Gly274Asp; replaces glycine 274 with aspartic acid.
Molecular consequence: missense variant. On other transcripts: non-coding transcript variant (3), intron variant (2).
Genome position (GRCh38, 1-based): chrX:101,398,548, C>T on the plus strand (G>A on the coding strand, the complement: GLA is on the minus strand). VCF-style: chrX-101398548-C-T. GRCh37 (hg19) VCF-style: chrX-100653536-C-T.
Other names: c.944G>A, p.Gly315Asp (NM_001406747.1); c.821G>A, p.Gly274Asp (NM_001406748.1); c.300+3091C>T (NM_001199973.2); c.177+6726C>T (NM_001199974.2); short protein forms G274D, G315D.
Identifiers: ClinVar variation 4087531 (VCV004087531.2).
Genomic context (GRCh38, chrX:101,398,548, plus strand): 5'-AAAGGAGCAGCCATGATAGCCCAGAGGGCCATCTGAGTTACTTGCTGATTCCAGCTGAGG[C>T]CAAAGTTGCCAATCACTAACTGAGAAAAAGAATGAAATAATTCAAACAAGAGAGGAGGAA-3'
Protein context (NP_000160.1, residues 264-284): DPDMLVIGNF[Gly274Asp]LSWNQQVTQM